The following is an entry in ClinVar:

NM_004836.7(EIF2AK3):c.1096G>C (p.Asp366His)

Gene: EIF2AK3 (eukaryotic translation initiation factor 2 alpha kinase 3; minus strand). Cytogenetic location: 2p11.2.
Variant type: single nucleotide variant.
Coding change: c.1096G>C on transcript NM_004836.7 (MANE Select); coding-DNA position 1096, G replaced by C.
Protein change: p.Asp366His; replaces aspartic acid 366 with histidine.
Molecular consequence: missense variant.
Genome position (GRCh38, 1-based): chr2:88,590,512, C>G on the plus strand (G>C on the coding strand, the complement: EIF2AK3 is on the minus strand). VCF-style: chr2-88590512-C-G. GRCh37 (hg19) VCF-style: chr2-88890030-C-G.
Other names: c.643G>C, p.Asp215His (NM_001313915.2); short protein forms D215H, D366H.
Identifiers: ClinVar variation 3250438 (VCV003250438.1), dbSNP rs1674857018.

ClinVar aggregate classification (germline): Uncertain significance (1 of 4 stars; one submission).

Conditions:
Wolcott-Rallison dysplasia. Also called: Wolcott-Rallison syndrome; MED-IDDM SYNDROME. Identifiers: Orphanet 1667, MedGen C0432217, MONDO:0009192, OMIM 226980.

Submission:

Neuberg Centre For Genomic Medicine, NCGM
Classification: Uncertain significance for Wolcott-Rallison dysplasia. Review status: criteria provided, single submitter. Criteria: ACMG Guidelines, 2015. Collection method: clinical testing. Allele origin: germline. Inheritance: Autosomal recessive inheritance. Affected: yes.
Comment: The observed missense variant c.1096G>C (p.Asp366His) in EIF2AK3 gene has not been reported previously as a pathogenic variant nor as a benign variant, to our knowledge. The p.Asp366His variant is absent in gnomAD Exomes. This variant has not been submitted to the ClinVar database. The amino acid change p.Asp366His in EIF2AK3 is predicted as conserved by GERP++ and PhyloP across 100 vertebrates. The amino acid Asp at position 366 is changed to a His changing protein sequence and it might alter its composition and physico-chemical properties. Multiple lines of computational evidence (Polyphen - Probably damaging, SIFT - Tolerated and Mutation Taster - Polymorphism) predicts conflicting evidence on protein structure and function for this variant. For these reasons, this variant has been classified as Variant of Uncertain Significance (VUS).